The following is an entry in ClinVar:

ClinVar aggregate classification (germline): Uncertain significance. Review status: criteria provided, multiple submitters, no conflicts (2 of 4 stars). 3 submissions from 3 submitters: Uncertain significance (3). Last evaluated 2025-11-24.

Conditions:
Danon disease. Also called: ANTOPOL DISEASE; GSD IIb; LYSOSOMAL GLYCOGEN STORAGE DISEASE WITHOUT ACID MALTASE DEFICIENCY; PSEUDOGLYCOGENOSIS II; Glycogen Storage Disease Type IIb. Identifiers: Orphanet 34587, MedGen C0878677, MONDO:0010281, OMIM 300257.
Cardiovascular phenotype. Identifiers: MedGen CN230736.

Allele frequency attached by ClinVar (database versions not stated): gnomAD exomes below 0.00001; TOPMed below 0.00001; gnomAD 0.00001.
gnomAD v4.1: 3 of 1,210,879 alleles (0.00025%); highest among the groups gnomAD compares: Non-Finnish European, 0.00034%; no homozygotes.

Submissions (3):

Labcorp Genetics (formerly Invitae), Labcorp
Classification: Uncertain significance for Danon disease. Last evaluated: 2025-11-24. Review status: criteria provided, single submitter. Criteria: Invitae Variant Classification Sherloc (09022015). Collection method: clinical testing. Allele origin: germline.
Comment: This sequence change replaces phenylalanine, which is neutral and non-polar, with leucine, which is neutral and non-polar, at codon 4 of the LAMP2 protein (p.Phe4Leu). This variant is not present in population databases (gnomAD no frequency). This variant has not been reported in the literature in individuals affected with LAMP2-related conditions. ClinVar contains an entry for this variant (Variation ID: 1017898). An algorithm developed to predict the effect of missense changes on protein structure and function outputs the following: PolyPhen-2: "Benign". The leucine amino acid residue is found in multiple mammalian species, which suggests that this missense change does not adversely affect protein function. In summary, the available evidence is currently insufficient to determine the role of this variant in disease. Therefore, it has been classified as a Variant of Uncertain Significance.

Molecular Diagnostic Laboratory for Inherited Cardiovascular Disease, Montreal Heart Institute
Classification: Uncertain significance for Cardiovascular phenotype. Last evaluated: 2025-04-09. Review status: criteria provided, single submitter. Criteria: ACMG Guidelines, 2015. Collection method: clinical testing. Allele origin: germline. Affected: yes.

Blueprint Genetics
Classification: Uncertain significance. Last evaluated: 2018-11-05. Review status: criteria provided, single submitter. Criteria: ACMG Guidelines, 2015. Collection method: clinical testing. Allele origin: germline.

NM_002294.3(LAMP2):c.10T>C (p.Phe4Leu)

Gene: LAMP2 (lysosome associated membrane protein 2; minus strand). Cytogenetic location: Xq24.
Variant type: single nucleotide variant.
Coding change: c.10T>C on transcript NM_002294.3 (MANE Select); coding-DNA position 10, T replaced by C.
Protein change: p.Phe4Leu; replaces phenylalanine 4 with leucine.
Molecular consequence: missense variant.
Genome position (GRCh38, 1-based): chrX:120,469,160, A>G on the plus strand (T>C on the coding strand, the complement: LAMP2 is on the minus strand). VCF-style: chrX-120469160-A-G. GRCh37 (hg19) VCF-style: chrX-119603015-A-G.
Other names: c.10T>C, p.Phe4Leu (NM_001122606.1, NM_013995.2); short protein forms F4L.
Identifiers: ClinVar variation 1017898 (VCV001017898.10), dbSNP rs1375151119, ClinGen allele CA414398094.